The following is an entry in ClinVar:

Conditions:
Breast-ovarian cancer, familial, susceptibility to, 1 (BROVCA1). Also called: BRCA1 Hereditary Breast and Ovarian Cancer; OVARIAN CANCER, SUSCEPTIBILITY TO. Identifiers: Orphanet 145, MedGen C2676676, MONDO:0011450, OMIM 604370. Disease mechanism: loss of function.

Submission:

Brotman Baty Institute, University of Washington
No classification provided (evidence only). Condition: Breast-ovarian cancer, familial 1. Review status: no classification provided. Collection method: in vitro. Allele origin: not applicable. Functional consequence: functionally_normal.
ClinVar note: "not provided" was previously submitted as the classification for the variant. However, the classification appeared to be based only on an observation of functional data so it was converted to no classification on 2025-07-30.

NM_007294.4(BRCA1):c.271T>A (p.Cys91Ser)

Gene: BRCA1 (BRCA1 DNA repair associated; minus strand). Cytogenetic location: 17q21.31.
Variant type: single nucleotide variant.
Coding change: c.271T>A on transcript NM_007294.4 (MANE Select); coding-DNA position 271, T replaced by A.
Protein change: p.Cys91Ser; replaces cysteine 91 with serine.
Molecular consequence: missense variant. On other transcripts: non-coding transcript variant (1).
Genome position (GRCh38, 1-based): chr17:43,104,898, A>T on the plus strand (T>A on the coding strand, the complement: BRCA1 is on the minus strand). VCF-style: chr17-43104898-A-T. GRCh37 (hg19) VCF-style: chr17-41256915-A-T.
Other names: c.271T>A, p.Cys91Ser (NM_001407644.1, NM_001407645.1, NM_001407646.1 and 168 more transcripts); c.193T>A, p.Cys65Ser (NM_001407653.1, NM_001407654.1, NM_001407655.1 and 21 more transcripts); c.130T>A, p.Cys44Ser (NM_001407692.1, NM_001407694.1, NM_001407695.1 and 99 more transcripts); c.61T>A, p.Cys21Ser (NM_001407853.1, NM_001407879.1, NM_001407881.1 and 58 more transcripts); c.-111T>A (NM_001407959.1, NM_001407960.1, NM_001407962.1 and 4 more transcripts); c.139T>A, p.Cys47Ser (NM_001408451.1); short protein forms C44S, C91S, C21S, C65S, C47S.
Identifiers: ClinVar variation 865619 (VCV000865619.3), dbSNP rs786203939, ClinGen allele CA10601614.